The following is an entry in ClinVar:

ClinVar aggregate classification (germline): Likely benign. Review status: criteria provided, multiple submitters, no conflicts (2 of 4 stars). 2 submissions from 2 submitters: Likely benign (2). Last evaluated 2025-03-04.

Conditions:
Glycogen storage disease due to muscle and heart glycogen synthase deficiency. Also called: MUSCLE GLYCOGEN SYNTHASE DEFICIENCY; GSD 0b. Identifiers: Orphanet 137625, MedGen C1969054, MONDO:0012693, OMIM 611556.

Allele frequency attached by ClinVar (database versions not stated): gnomAD exomes below 0.00001; TOPMed 0.00003; gnomAD 0.00005.
gnomAD v4.1: 14 of 1,613,714 alleles (0.00087%); highest among the groups gnomAD compares: African/African-American, 0.016%; no homozygotes.

Submissions (2):

Labcorp Genetics (formerly Invitae), Labcorp
Classification: Likely benign for Glycogen storage disease due to muscle and heart glycogen synthase deficiency. Last evaluated: 2025-03-04. Review status: criteria provided, single submitter. Criteria: Invitae Variant Classification Sherloc (09022015). Collection method: clinical testing. Allele origin: germline.

GeneDx
Classification: Likely benign. Last evaluated: 2016-02-16. Review status: criteria provided, single submitter. Criteria: GeneDx Variant Classification (06012015). Collection method: clinical testing. Allele origin: germline. Affected: yes.
Comment: This variant is considered likely benign or benign based on one or more of the following criteria: it is a conservative change, it occurs at a poorly conserved position in the protein, it is predicted to be benign by multiple in silico algorithms, and/or has population frequency not consistent with disease.

NM_002103.5(GYS1):c.813G>A (p.Lys271=)

Gene: GYS1 (glycogen synthase 1; minus strand). Cytogenetic location: 19q13.33.
Variant type: single nucleotide variant.
Coding change: c.813G>A on transcript NM_002103.5 (MANE Select); coding-DNA position 813, G replaced by A.
Protein change: p.Lys271=; no amino-acid change (lysine 271 retained).
Molecular consequence: synonymous variant. On other transcripts: non-coding transcript variant (1).
Genome position (GRCh38, 1-based): chr19:48,985,471, C>T on the plus strand (G>A on the coding strand, the complement: GYS1 is on the minus strand). VCF-style: chr19-48985471-C-T. GRCh37 (hg19) VCF-style: chr19-49488728-C-T.
Other names: c.621G>A, p.Lys207= (NM_001161587.2).
Identifiers: ClinVar variation 382997 (VCV000382997.9), dbSNP rs942457914, ClinGen allele CA16607861.
Genomic context (GRCh38, chr19:48,985,471, plus strand): 5'-AGACAGCTGCCTACCTCATTCACGTCTGGGGACTTCAGCCCAGCCCCTACCTGGTTTCCT[C>T]TTGAGCAAGTGCTGTGCCTCGATGGCGGTGATCTGGGACACAGTAGTGAAGACGTGAGCG-3'
Protein context (NP_002094.2, residues 261-281): ITAIEAQHLL[Lys271=]RKPDIVTPNG